The following is an entry in ClinVar:

NM_015627.3(LDLRAP1):c.105G>A (p.Trp35Ter)

Gene: LDLRAP1 (low density lipoprotein receptor adaptor protein 1; plus strand). Cytogenetic location: 1p36.11.
Variant type: single nucleotide variant.
Coding change: c.105G>A on transcript NM_015627.3 (MANE Select); coding-DNA position 105, G replaced by A.
Protein change: p.Trp35Ter; replaces tryptophan 35 with a stop codon.
Molecular consequence: nonsense.
Genome position (GRCh38, 1-based): chr1:25,553,938, G>A. VCF-style: chr1-25553938-G-A. GRCh37 (hg19) VCF-style: chr1-25880429-G-A.
Other names: short protein forms W35*.
Identifiers: ClinVar variation 2832489 (VCV002832489.3), dbSNP rs778909774, ClinGen allele CA339077617.

ClinVar aggregate classification (germline): Pathogenic (1 of 4 stars; one submission).

Conditions:
Hypercholesterolemia, familial, 4 (FHCL4). Also called: HYPERCHOLESTEROLEMIA, AUTOSOMAL RECESSIVE, 1; HYPERCHOLESTEROLEMIA, AUTOSOMAL RECESSIVE, 2. Identifiers: Orphanet 391665, MedGen C1863512, MONDO:0011374, OMIM 603813.

gnomAD v4.1: 1 of 1,613,930 alleles (0.000062%); no homozygotes.

Submission:

Labcorp Genetics (formerly Invitae), Labcorp
Classification: Pathogenic for Hypercholesterolemia, familial, 4. Last evaluated: 2024-03-05. Review status: criteria provided, single submitter. Criteria: Invitae Variant Classification Sherloc (09022015). Collection method: clinical testing. Allele origin: germline.
Comment: This sequence change creates a premature translational stop signal (p.Trp35*) in the LDLRAP1 gene. It is expected to result in an absent or disrupted protein product. Loss-of-function variants in LDLRAP1 are known to be pathogenic (PMID: 11326085, 12464675). This variant is not present in population databases (gnomAD no frequency). This variant has not been reported in the literature in individuals affected with LDLRAP1-related conditions. For these reasons, this variant has been classified as Pathogenic.

Literature cited by the submitters: PubMed 11326085; PubMed 12464675.